The following is an entry in ClinVar:

NM_000283.4(PDE6B):c.1311G>C (p.Lys437Asn)

Gene: PDE6B (phosphodiesterase 6B; plus strand). Cytogenetic location: 4p16.3.
Variant type: single nucleotide variant.
Coding change: c.1311G>C on transcript NM_000283.4 (MANE Select); coding-DNA position 1311, G replaced by C.
Protein change: p.Lys437Asn; replaces lysine 437 with asparagine.
Molecular consequence: missense variant.
Genome position (GRCh38, 1-based): chr4:657,404, G>C. VCF-style: chr4-657404-G-C. GRCh37 (hg19) VCF-style: chr4-651193-G-C.
Other names: c.1311G>C, p.Lys437Asn (NM_001145291.2, NM_001440547.1, NM_001440548.1); c.474G>C, p.Lys158Asn (NM_001145292.2, NM_001350154.3, NM_001379246.1 and 1 more transcripts); c.156G>C, p.Lys52Asn (NM_001350155.3); short protein forms K158N, K52N, K437N.
Identifiers: ClinVar variation 4746190 (VCV004746190.1).
Genomic context (GRCh38, chr4:657,404, plus strand): 5'-CCTCCAGTCCCTGACACAGTTCCTGGGCTGGTCAGTGATGAACACCGACACCTACGACAA[G>C]ATGAACAAGCTGGAGAACCGCAAGGACATCGCACAGGACATGGTCCTTTACCACGTGAAG-3'
Protein context (NP_000274.3, residues 427-447): WSVMNTDTYD[Lys437Asn]MNKLENRKDI

ClinVar aggregate classification (germline): Uncertain significance (1 of 4 stars; one submission).

Submission:

Labcorp Genetics (formerly Invitae), Labcorp
Classification: Uncertain significance. Last evaluated: 2025-12-15. Review status: criteria provided, single submitter. Criteria: Invitae Variant Classification Sherloc (09022015). Collection method: clinical testing. Allele origin: germline.
Comment: This sequence change replaces lysine, which is basic and polar, with asparagine, which is neutral and polar, at codon 437 of the PDE6B protein (p.Lys437Asn). This variant is not present in population databases (gnomAD no frequency). This variant has not been reported in the literature in individuals affected with PDE6B-related conditions. Invitae Evidence Modeling of protein sequence and biophysical properties (such as structural, functional, and spatial information, amino acid conservation, physicochemical variation, residue mobility, and thermodynamic stability) indicates that this missense variant is not expected to disrupt PDE6B protein function with a negative predictive value of 80%. In summary, the available evidence is currently insufficient to determine the role of this variant in disease. Therefore, it has been classified as a Variant of Uncertain Significance.